The following is an entry in ClinVar:

ClinVar aggregate classification (germline): Likely pathogenic (1 of 4 stars; one submission).

Conditions:
Mendelian susceptibility to mycobacterial diseases due to complete IL12RB1 deficiency. Also called: Immunodeficiency 30; IL12RB1 DEFICIENCY. Identifiers: Orphanet 319552, MedGen C4013949, MONDO:0013955, OMIM 614891.

Submission:

Labcorp Genetics (formerly Invitae), Labcorp
Classification: Likely pathogenic for Mendelian susceptibility to mycobacterial diseases due to complete IL12RB1 deficiency. Last evaluated: 2024-05-23. Review status: criteria provided, single submitter. Criteria: Invitae Variant Classification Sherloc (09022015). Collection method: clinical testing. Allele origin: germline.
Comment: This sequence change affects an acceptor splice site in intron 15 of the IL12RB1 gene. It is expected to disrupt RNA splicing. Variants that disrupt the donor or acceptor splice site typically lead to a loss of protein function (PMID: 16199547), and loss-of-function variants in IL12RB1 are known to be pathogenic (PMID: 9603733, 12591909). This variant is not present in population databases (gnomAD no frequency). This variant has not been reported in the literature in individuals affected with IL12RB1-related conditions. ClinVar contains an entry for this variant (Variation ID: 2033191). Algorithms developed to predict the effect of sequence changes on RNA splicing suggest that this variant may disrupt the consensus splice site. In summary, the currently available evidence indicates that the variant is pathogenic, but additional data are needed to prove that conclusively. Therefore, this variant has been classified as Likely Pathogenic.

Literature cited by the submitters: PubMed 16199547; PubMed 9603733; PubMed 12591909.

NM_005535.3(IL12RB1):c.1792-1G>A

Gene: IL12RB1 (interleukin 12 receptor subunit beta 1; minus strand). Cytogenetic location: 19p13.11.
Variant type: single nucleotide variant.
Coding change: c.1792-1G>A on transcript NM_005535.3 (MANE Select); the canonical splice acceptor site of the intron before coding-DNA position 1792, G replaced by A.
Molecular consequence: splice acceptor variant.
Genome position (GRCh38, 1-based): chr19:18,060,086, C>T on the plus strand (G>A on the coding strand, the complement: IL12RB1 is on the minus strand). VCF-style: chr19-18060086-C-T. GRCh37 (hg19) VCF-style: chr19-18170896-C-T.
Other names: c.1912-1G>A (NM_001290024.2); c.1792-1G>A (NM_001290023.2); c.1813-1G>A (NM_001440425.1, NM_001440424.1).
Identifiers: ClinVar variation 2033191 (VCV002033191.4), dbSNP rs2514853298, ClinGen allele CA404775626.